The following is an entry in ClinVar:

ClinVar aggregate classification (germline): Conflicting classifications of pathogenicity. Review status: criteria provided, conflicting classifications (1 of 4 stars). 2 submissions from 2 submitters: Uncertain significance (1); Likely benign (1). Last evaluated 2025-02-27.

Conditions:
Familial cancer of breast. Also called: BREAST CANCER, FAMILIAL; hereditary breast carcinoma; Hereditary breast cancer. Identifiers: Orphanet 227535, MedGen C0346153, MONDO:0016419, OMIM 114480. Disease mechanism: loss of function.
Hereditary cancer-predisposing syndrome. Also called: Tumor predisposition; Hereditary Cancer Syndrome; Hereditary neoplastic syndrome; Neoplastic Syndromes, Hereditary. Identifiers: Orphanet 140162, MedGen C0027672, MeSH D009386, MONDO:0015356.

gnomAD v4.1: 6 of 1,614,146 alleles (0.00037%); highest among the groups gnomAD compares: Non-Finnish European, 0.00051%; no homozygotes.

Submissions (2):

Ambry Genetics
Classification: Likely benign for Hereditary cancer-predisposing syndrome. Last evaluated: 2025-02-27. Review status: criteria provided, single submitter. Criteria: Ambry Variant Classification Scheme 2023. Collection method: clinical testing. Allele origin: germline.

Labcorp Genetics (formerly Invitae), Labcorp
Classification: Uncertain significance for Familial cancer of breast. Last evaluated: 2023-06-13. Review status: criteria provided, single submitter. Criteria: Invitae Variant Classification Sherloc (09022015). Collection method: clinical testing. Allele origin: germline.
Comment: In summary, the available evidence is currently insufficient to determine the role of this variant in disease. Therefore, it has been classified as a Variant of Uncertain Significance. Advanced modeling of protein sequence and biophysical properties (such as structural, functional, and spatial information, amino acid conservation, physicochemical variation, residue mobility, and thermodynamic stability) performed at Invitae indicates that this missense variant is not expected to disrupt PALB2 protein function. This variant has not been reported in the literature in individuals affected with PALB2-related conditions. This variant is not present in population databases (gnomAD no frequency). This sequence change replaces isoleucine, which is neutral and non-polar, with methionine, which is neutral and non-polar, at codon 309 of the PALB2 protein (p.Ile309Met).

NM_024675.4(PALB2):c.927A>G (p.Ile309Met)

Gene: PALB2 (partner and localizer of BRCA2; minus strand). Cytogenetic location: 16p12.2.
Variant type: single nucleotide variant.
Coding change: c.927A>G on transcript NM_024675.4 (MANE Select); coding-DNA position 927, A replaced by G.
Protein change: p.Ile309Met; replaces isoleucine 309 with methionine.
Molecular consequence: missense variant. On other transcripts: intron variant (3).
Genome position (GRCh38, 1-based): chr16:23,635,619, T>C on the plus strand (A>G on the coding strand, the complement: PALB2 is on the minus strand). VCF-style: chr16-23635619-T-C. GRCh37 (hg19) VCF-style: chr16-23646940-T-C.
Other names: c.867A>G, p.Ile289Met (NM_001407296.1); c.927A>G, p.Ile309Met (NM_001407297.1, NM_001407298.1, NM_001407299.1 and 3 more transcripts); c.42A>G, p.Ile14Met (NM_001407304.1, NM_001407305.1, NM_001407306.1 and 5 more transcripts); c.48+5491A>G (NM_001407314.1); c.-104-5150A>G (NM_001407313.1, NM_001407312.1); short protein forms I289M, I309M, I14M.
Identifiers: ClinVar variation 2813691 (VCV002813691.4), dbSNP rs1326253995, ClinGen allele CA395135283.
Genomic context (GRCh38, chr16:23,635,619, plus strand): 5'-TAGAGAACATGAAATATTTGCCTCTAAATTAGAACTTGTGGGCAGTTGGCCACTTTTACT[T>C]ATAGCTTTATTTACAAGGAGGTTATCTGTAGAGACAGTCATTTTTTTGCCTTGTGCCTCC-3'
Protein context (NP_078951.2, residues 299-319): STDNLLVNKA[Ile309Met]SKSGQLPTSS